The following is an entry in ClinVar:

NM_000349.3(STAR):c.119del (p.Leu40fs)

Gene: STAR (steroidogenic acute regulatory protein; minus strand). Cytogenetic location: 8p11.23.
Variant type: Deletion.
Coding change: c.119del on transcript NM_000349.3 (MANE Select); coding-DNA position 119, one base deleted (T; older notation c.119delT).
Protein change: p.Leu40fs; shifts the reading frame from leucine 40.
Molecular consequence: frameshift variant.
Genome position (GRCh38, 1-based): chr8:38,148,700, A deleted on the plus strand (T on the coding strand, the reverse complement: STAR is on the minus strand). VCF-style (leftmost placement, unchanged base first): chr8-38148699-CA-C. GRCh37 (hg19) VCF-style: chr8-38006217-CA-C.
Other names: short protein forms L40fs.
Identifiers: ClinVar variation 5015092 (VCV005015092.1).

ClinVar aggregate classification (germline): Pathogenic (1 of 4 stars; one submission).

Conditions:
Congenital lipoid adrenal hyperplasia due to STAR deficency. Also called: Lipoid adrenal hyperplasia; ADRENAL HYPERPLASIA I; Cholesterol monooxygenase (side-chain cleaving) deficiency; Congenital Lipoid Adrenal Hyperplasia. Identifiers: Orphanet 418, Orphanet 90790, MedGen C0342474, MONDO:0008725, OMIM 201710.

Submission:

Myriad Genetics, Inc.
Classification: Pathogenic for Congenital lipoid adrenal hyperplasia due to STAR deficency. Last evaluated: 2025-10-13. Review status: criteria provided, single submitter. Criteria: Myriad Autosomal Dominant, Autosomal Recessive and X-Linked Classification Criteria (2023). Collection method: clinical testing. Allele origin: unknown.
Comment: NM_000349.2(STAR):c.119delT(L40Rfs*69) is expected to be pathogenic in the context of lipoid congenital adrenal hyperplasia. This variant is predicted to lead to an abnormal or absent protein product due to the creation of a premature termination codon in STAR, a gene where loss-of-function variants are known to be pathogenic. Please note: this variant was assessed in the context of healthy population screening.